The following is an entry in ClinVar:

GRCh38/hg38 19q13.41(chr19:51824349-52113443)x3

Genes: FPR3 (formyl peptide receptor 3; plus strand), ZNF350 (zinc finger protein 350; minus strand), ZNF350-AS1 (ZNF350 antisense RNA 1; plus strand), ZNF432 (zinc finger protein 432; minus strand), ZNF577 (zinc finger protein 577; minus strand) and 15 more. Cytogenetic location: 19q13.41.
Variant type: copy number gain.
Change: copy number 3 (three copies instead of two) of chr19:51,824,349-52,113,443 (289.1 kb, GRCh38 coordinates, 1-based), cytogenetic band 19q13.41.
Identifiers: ClinVar variation 58803 (VCV000058803.1).

ClinVar aggregate classification (germline): Uncertain significance (1 of 4 stars; one submission).

Submission:

ISCA site 15
Classification: Uncertain significance. Last evaluated: 2011-08-12. Review status: criteria provided, single submitter. Criteria: Kaminsky et al. (Genet Med. 2011). Collection method: clinical testing. Allele origin: unknown. Affected: yes. Observed: 1 variant allele.
Comment: Copy number variation identified through the course of routine clinical cytogenomic testing in postnatal populations. Clinical assertions have been curated as described in Kaminsky et al. 2011.